The following is an entry in ClinVar:

NM_001123385.2(BCOR):c.4258G>A (p.Asp1420Asn)

Gene: BCOR (BCL6 corepressor; minus strand). Cytogenetic location: Xp11.4.
Variant type: single nucleotide variant.
Coding change: c.4258G>A on transcript NM_001123385.2 (MANE Select); coding-DNA position 4258, G replaced by A.
Protein change: p.Asp1420Asn; replaces aspartic acid 1420 with asparagine.
Molecular consequence: missense variant.
Genome position (GRCh38, 1-based): chrX:40,062,309, C>T on the plus strand (G>A on the coding strand, the complement: BCOR is on the minus strand). VCF-style: chrX-40062309-C-T. GRCh37 (hg19) VCF-style: chrX-39921562-C-T.
Other names: c.4156G>A, p.Asp1386Asn (NM_001123383.2, NM_017745.6); c.4102G>A, p.Asp1368Asn (NM_001123384.2); short protein forms D1420N, D1386N, D1368N.
Identifiers: ClinVar variation 284168 (VCV000284168.11), dbSNP rs886042813, ClinGen allele CA10604713.

ClinVar aggregate classification (germline): Uncertain significance. Review status: criteria provided, multiple submitters, no conflicts (2 of 4 stars). 3 submissions from 3 submitters: Uncertain significance (3). Last evaluated 2022-06-14.

Conditions:
Inborn genetic diseases. Identifiers: MedGen C0950123, MeSH D030342.
Oculofaciocardiodental syndrome (MCOPS2). Identifiers: Orphanet 2712, MedGen C1846265, MONDO:0010261, OMIM 300166.

Allele frequency attached by ClinVar (database versions not stated): TOPMed 0.00002; gnomAD 0.00005.
gnomAD v4.1: 2 of 1,209,277 alleles (0.00017%); highest among the groups gnomAD compares: Admixed American, 0.0022%; no homozygotes.

Submissions (3):

Labcorp Genetics (formerly Invitae), Labcorp
Classification: Uncertain significance for Oculofaciocardiodental syndrome. Last evaluated: 2022-06-14. Review status: criteria provided, single submitter. Criteria: Invitae Variant Classification Sherloc (09022015). Collection method: clinical testing. Allele origin: germline.
Comment: This variant has not been reported in the literature in individuals affected with BCOR-related conditions. This variant is present in population databases (no rsID available, gnomAD 0.01%). This sequence change replaces aspartic acid, which is acidic and polar, with asparagine, which is neutral and polar, at codon 1386 of the BCOR protein (p.Asp1386Asn). ClinVar contains an entry for this variant (Variation ID: 284168). In summary, the available evidence is currently insufficient to determine the role of this variant in disease. Therefore, it has been classified as a Variant of Uncertain Significance. Algorithms developed to predict the effect of missense changes on protein structure and function are either unavailable or do not agree on the potential impact of this missense change (SIFT: "Deleterious"; PolyPhen-2: "Benign"; Align-GVGD: "Class C15").

Eurofins Ntd Llc (ga)
Classification: Uncertain significance. Last evaluated: 2015-10-15. Review status: criteria provided, single submitter. Criteria: EGL Classification Definitions 2015. Collection method: clinical testing. Allele origin: germline. Observed: 1 variant allele, 1 hemizygote.

Ambry Genetics
Classification: Uncertain significance for Inborn genetic diseases. Last evaluated: 2015-03-22. Review status: criteria provided, single submitter. Criteria: Ambry Variant Classification Scheme 2023. Collection method: clinical testing. Allele origin: germline.
Comment: The p.D1420N variant (also known as c.4258G>A), located in coding exon 9 of the BCOR gene, results from a G to A substitution at nucleotide position 4258. The aspartic acid at codon 1420 is replaced by asparagine, an amino acid with highly similar properties. This variant was not reported in population based cohorts in the following databases: Database of Single Nucleotide Polymorphisms (dbSNP), NHLBI Exome Sequencing Project (ESP), and 1000 Genomes Project. In the ESP, this variant was not observed in 6502 samples with coverage at this position. This amino acid position is conserved through lizard species. In addition, this alteration is predicted to be tolerated by in silico analysis. Since supporting evidence is limited at this time, the clinical significance of this variant remains unclear.